The following is an entry in ClinVar:

ClinVar aggregate classification (germline): Uncertain significance (1 of 4 stars; one submission).

Conditions:
Deficiency of malonyl-CoA decarboxylase. Also called: Malonic aciduria; MCD deficiency. Identifiers: Orphanet 943, MedGen C0342793, MONDO:0009556, OMIM 248360.

Allele frequency attached by ClinVar (database versions not stated): TOPMed 0.00002; ExAC 0.00004.
gnomAD v4.1: 20 of 1,613,888 alleles (0.0012%); highest among the groups gnomAD compares: Middle Eastern, 0.016%; 1 homozygote.

Submission:

Labcorp Genetics (formerly Invitae), Labcorp
Classification: Uncertain significance for Deficiency of malonyl-CoA decarboxylase. Last evaluated: 2024-10-07. Review status: criteria provided, single submitter. Criteria: Invitae Variant Classification Sherloc (09022015). Collection method: clinical testing. Allele origin: germline.
Comment: This sequence change replaces serine, which is neutral and polar, with cysteine, which is neutral and slightly polar, at codon 467 of the MLYCD protein (p.Ser467Cys). This variant is present in population databases (rs764495439, gnomAD 0.02%). This variant has not been reported in the literature in individuals affected with MLYCD-related conditions. ClinVar contains an entry for this variant (Variation ID: 2074620). An algorithm developed to predict the effect of missense changes on protein structure and function (PolyPhen-2) suggests that this variant is likely to be tolerated. In summary, the available evidence is currently insufficient to determine the role of this variant in disease. Therefore, it has been classified as a Variant of Uncertain Significance.

NM_012213.3(MLYCD):c.1400C>G (p.Ser467Cys)

Gene: MLYCD (malonyl-CoA decarboxylase; plus strand). Cytogenetic location: 16q23.3.
Variant type: single nucleotide variant.
Coding change: c.1400C>G on transcript NM_012213.3 (MANE Select); coding-DNA position 1400, C replaced by G.
Protein change: p.Ser467Cys; replaces serine 467 with cysteine.
Molecular consequence: missense variant.
Genome position (GRCh38, 1-based): chr16:83,915,407, C>G. VCF-style: chr16-83915407-C-G. GRCh37 (hg19) VCF-style: chr16-83949012-C-G.
Other names: short protein forms S467C.
Identifiers: ClinVar variation 2074620 (VCV002074620.3), dbSNP rs764495439, ClinGen allele CA8197626.